The following is an entry in ClinVar:

NM_000540.3(RYR1):c.1027T>C (p.Ser343Pro)

Gene: RYR1 (ryanodine receptor 1; plus strand). Cytogenetic location: 19q13.2.
Variant type: single nucleotide variant.
Coding change: c.1027T>C on transcript NM_000540.3 (MANE Select); coding-DNA position 1027, T replaced by C.
Protein change: p.Ser343Pro; replaces serine 343 with proline.
Molecular consequence: missense variant.
Genome position (GRCh38, 1-based): chr19:38,448,718, T>C. VCF-style: chr19-38448718-T-C. GRCh37 (hg19) VCF-style: chr19-38939358-T-C.
Other names: c.1027T>C, p.Ser343Pro (NM_001042723.2); short protein forms S343P.
Identifiers: ClinVar variation 3073877 (VCV003073877.1), dbSNP rs2513997233, ClinGen allele CA405682859.
Genomic context (GRCh38, chr19:38,448,718, plus strand): 5'-GATGTGGCCCCCAAGCGGGATGTGGAGGGCATGGGCCCCCCTGAGATCAAGTACGGGGAG[T>C]CACTGTGCTTCGTGCAGCATGTGGCCTCAGGACTGTGGCTCACCTATGCTGCTCCAGACC-3'
Protein context (NP_000531.2, residues 333-353): MGPPEIKYGE[Ser343Pro]LCFVQHVASG

ClinVar aggregate classification (germline): Uncertain significance (1 of 4 stars; one submission).

Conditions:
Malignant hyperthermia, susceptibility to, 1 (MHS1). Also called: Anesthesia related hyperthermia; Malignant hyperpyrexia; Fulminating hyperpyrexia; Pharmacogenic myopathy; RYR1-Related Malignant Hyperthermia Susceptibility; Malignant hyperthermia suceptibility 1. Identifiers: Orphanet 423, MedGen C2930980, MONDO:0007783, OMIM 145600.

Submission:

All of Us Research Program, National Institutes of Health
Classification: Uncertain significance for Malignant hyperthermia, susceptibility to, 1. Last evaluated: 2023-11-30. Review status: criteria provided, single submitter. Criteria: ACMG Guidelines, 2015. Collection method: clinical testing. Allele origin: germline. Inheritance: Autosomal dominant inheritance. Observed: 1 variant allele, 1 heterozygote.
Comment: This study involves interpretation of variants in research participants for the purpose of population health screening. Participant phenotype was not available at the time of variant classification. Additional details can be found in publication PMID: 35346344, PMCID: PMC8962531